The following continues an entry in ClinVar:

NM_007294.4(BRCA1):c.1534C>T (p.Leu512Phe)

Gene: BRCA1. ClinVar aggregate classification (germline): Benign. Benign (1).

Submissions 16 to 18 of 18:

Sharing Clinical Reports Project (SCRP)
Classification: Likely benign for Breast-ovarian cancer, familial 1. Last evaluated: 2012-07-05. Review status: no assertion criteria provided. Collection method: clinical testing. Allele origin: germline. Not counted in ClinVar's aggregate classification.

Breast Cancer Information Core (BIC) (BRCA1)
Classification: Uncertain significance for Breast-ovarian cancer, familial 1. Last evaluated: 2003-12-23. Review status: no assertion criteria provided. Collection method: clinical testing. Allele origin: germline. Affected: yes. Observed: 6 variant alleles. Not counted in ClinVar's aggregate classification.

Department of Pathology and Laboratory Medicine, Sinai Health System
Classification: Uncertain significance for Malignant tumor of breast. Review status: no assertion criteria provided. Collection method: clinical testing. Allele origin: unknown. Affected: yes. Study: The Canadian Open Genetics Repository (COGR). Not counted in ClinVar's aggregate classification.
Comment: The BRCA1 p.Leu512Phe variant was identified in 4 of 2744 proband chromosomes (frequency: 0.001) from German, American and British individuals or families with HBOC or endometrial cancer (Meindl_2002_11802209, Pennington_2012_22811390, Plaskocinska_2016_27208206). The variant was also identified in dbSNP (ID: rs41286294) â€šÃ„ÃºWith Uncertain significance, other alleleâ€šÃ„Ã¹, ClinVar (classified with conflicting interpretations of pathogenicity; submitters: likely benign by GeneDx, Invitae and SCRP; and uncertain significance by Ambry Genetics, EGL Genetic Diagnostics (Eurofins Clinical Diagnostics), Quest Diagnostics Nichols Institute San Juan Capistrano, Counsyl and BIC ), Clinvitae (5x), Genesight-COGR (1x), LOVD 3.0 (1x ), UMD-LSDB (9x as class 2 - likely neutral, co-occurring with pathogenic BRCA2 variants (c.8023A>G, p.Ile2675Val and c.5909C>A, p.Ser1970X)), and BIC Database (6x with unknown clinical importance, classification pending); and was not identified in Cosmic, MutDB, ARUP Laboratories, or Zhejiang Colon Cancer Database. The variant was identified in control databases in 11 of 276590 chromosomes at a frequency of 0.00004 (Genome Aggregation Database Feb 27, 2017). Breakdown of the observations by population include European Non-Finnish in 11 of 126252 chromosomes (freq: 0.00009), while not observed in the African, Other, Latino, Ashkenazi Jewish, East Asian, European Finnish, and South Asian populations. The p.Leu512Phe residue is conserved in mammals and computational analyses (PolyPhen-2, SIFT, AlignGVGD, BLOSUM, MutationTaster) provide inconsistent predictions regarding the impact to the protein; this information is not very predictive of pathogenicity. The variant occurs outside of the splicing consensus sequence and in silico or computational prediction software programs (SpliceSiteFinder, MaxEntScan, NNSPLICE, GeneSplicer, HumanSpliceFinder) do not predict a difference in splicing. In summary, based on the above information the clinical significance of this variant cannot be determined with certainty at this time. This variant is classified as a variant of uncertain significance.

Literature cited by the submitters: PubMed 31131967 (cited by 3 submitters); PubMed 27208206 (cited by 3 submitters); PubMed 18951446 (cited by Quest Diagnostics Nichols Institute San Juan Capistrano); PubMed 16267036 (cited by 3 submitters); PubMed 11802209 (cited by 4 submitters); PubMed 22811390 (cited by 4 submitters); PubMed 15385441 (cited by 3 submitters); PubMed 25722345 (cited by Quest Diagnostics Nichols Institute San Juan Capistrano); PubMed 23704879 (cited by 3 submitters); PubMed 32546644 (cited by Quest Diagnostics Nichols Institute San Juan Capistrano); PubMed 19616529 (cited by Quest Diagnostics Nichols Institute San Juan Capistrano and Women's Health and Genetics/Laboratory Corporation of America, LabCorp); PubMed 33471991 (cited by Quest Diagnostics Nichols Institute San Juan Capistrano); PubMed 26727311 (cited by 4 submitters); PubMed 26295337 (cited by Quest Diagnostics Nichols Institute San Juan Capistrano); PubMed 30181556 (cited by Women's Health and Genetics/Laboratory Corporation of America, LabCorp); PubMed 31112341 (cited by Women's Health and Genetics/Laboratory Corporation of America, LabCorp); PubMed 25348012 (cited by Counsyl).